The following is an entry in ClinVar:

NM_001291303.3(FAT4):c.7798C>T (p.Pro2600Ser)

Gene: FAT4 (FAT atypical cadherin 4; plus strand). Cytogenetic location: 4q28.1.
Variant type: single nucleotide variant.
Coding change: c.7798C>T on transcript NM_001291303.3 (MANE Select); coding-DNA position 7798, C replaced by T.
Protein change: p.Pro2600Ser; replaces proline 2600 with serine.
Molecular consequence: missense variant.
Genome position (GRCh38, 1-based): chr4:125,448,808, C>T. VCF-style: chr4-125448808-C-T. GRCh37 (hg19) VCF-style: chr4-126369963-C-T.
Other names: c.7798C>T, p.Pro2600Ser (NM_001291285.3); c.7792C>T, p.Pro2598Ser (NM_024582.6); c.7792C>T (NM_024582.4); short protein forms P2600S, P2598S.
Identifiers: ClinVar variation 1447963 (VCV001447963.5), dbSNP rs146482628, ClinGen allele CA3073257.

ClinVar aggregate classification (germline): Uncertain significance. Review status: criteria provided, multiple submitters, no conflicts (2 of 4 stars). 3 submissions from 3 submitters: Uncertain significance (3). Last evaluated 2024-11-26.

Conditions:
Inborn genetic diseases. Identifiers: MedGen C0950123, MeSH D030342.

Allele frequency attached by ClinVar (database versions not stated): ExAC 0.00002; ESP Exome Variant Server 0.00008; TOPMed 0.00010; gnomAD 0.00017 and 0.00019.
gnomAD v4.1: 42 of 1,609,608 alleles (0.0026%); highest among the groups gnomAD compares: African/African-American, 0.053%; 1 homozygote.

Submissions (3):

Ambry Genetics
Classification: Uncertain significance for Inborn genetic diseases. Last evaluated: 2024-11-26. Review status: criteria provided, single submitter. Criteria: Ambry Variant Classification Scheme 2023. Collection method: clinical testing. Allele origin: germline.

GeneDx
Classification: Uncertain significance. Last evaluated: 2024-04-25. Review status: criteria provided, single submitter. Criteria: GeneDx Variant Classification Process June 2021. Collection method: clinical testing. Allele origin: germline.
Comment: In silico analysis indicates that this missense variant does not alter protein structure/function; Has not been previously published as pathogenic or benign to our knowledge

Labcorp Genetics (formerly Invitae), Labcorp
Classification: Uncertain significance. Last evaluated: 2022-08-16. Review status: criteria provided, single submitter. Criteria: Invitae Variant Classification Sherloc (09022015). Collection method: clinical testing. Allele origin: germline.
Comment: This sequence change replaces proline, which is neutral and non-polar, with serine, which is neutral and polar, at codon 2598 of the FAT4 protein (p.Pro2598Ser). This variant is present in population databases (rs146482628, gnomAD 0.04%). This variant has not been reported in the literature in individuals affected with FAT4-related conditions. ClinVar contains an entry for this variant (Variation ID: 1447963). Advanced modeling of protein sequence and biophysical properties (such as structural, functional, and spatial information, amino acid conservation, physicochemical variation, residue mobility, and thermodynamic stability) performed at Invitae indicates that this missense variant is not expected to disrupt FAT4 protein function. In summary, the available evidence is currently insufficient to determine the role of this variant in disease. Therefore, it has been classified as a Variant of Uncertain Significance.